The following is an entry in ClinVar:

ClinVar aggregate classification (germline): Uncertain significance (1 of 4 stars; one submission).

Conditions:
Familial thoracic aortic aneurysm and aortic dissection (TAAD). Also called: Thoracic aortic aneurysms and dissections. Identifiers: Orphanet 91387, MedGen C4707243, MONDO:0019625.

Submission:

Ambry Genetics
Classification: Uncertain significance for Familial thoracic aortic aneurysm and aortic dissection. Last evaluated: 2024-04-07. Review status: criteria provided, single submitter. Criteria: Ambry Variant Classification Scheme 2023. Collection method: clinical testing. Allele origin: germline.
Comment: The p.V482F variant (also known as c.1444G>T), located in coding exon 13 of the CBS gene, results from a G to T substitution at nucleotide position 1444. The valine at codon 482 is replaced by phenylalanine, an amino acid with highly similar properties. This amino acid position is conserved. In addition, this alteration is predicted to be deleterious by in silico analysis. Based on the available evidence, the clinical significance of this variant remains unclear.

NM_000071.3(CBS):c.1444G>T (p.Val482Phe)

Gene: CBS (cystathionine beta-synthase; minus strand). Cytogenetic location: 21q22.3.
Variant type: single nucleotide variant.
Coding change: c.1444G>T on transcript NM_000071.3 (MANE Select); coding-DNA position 1444, G replaced by T.
Protein change: p.Val482Phe; replaces valine 482 with phenylalanine.
Molecular consequence: missense variant.
Genome position (GRCh38, 1-based): chr21:43,058,168, C>A on the plus strand (G>T on the coding strand, the complement: CBS is on the minus strand). VCF-style: chr21-43058168-C-A. GRCh37 (hg19) VCF-style: chr21-44478278-C-A.
Other names: c.1444G>T, p.Val482Phe (NM_001178008.3, NM_001178009.3, NM_001320298.2); c.1129G>T, p.Val377Phe (NM_001321072.1); short protein forms V377F, V482F.
Identifiers: ClinVar variation 3263662 (VCV003263662.1).
Genomic context (GRCh38, chr21:43,058,168, plus strand): 5'-GCGCATCTGTTTGAGCTGCCTGTAGGTGACTGGGTACCTGTTTGAACTGCTTGTAGATGA[C>A]TTTGCCAACTTGGTCTGACGGCTGCACCTTCCCGGCAAGCAGGGACGAGAGCATGTTCCC-3'
Protein context (NP_000062.1, residues 472-492): KVQPSDQVGK[Val482Phe]IYKQFKQIRL